The following is an entry in ClinVar:

NM_001277115.2(DNAH11):c.9664G>A (p.Val3222Met)

Gene: DNAH11 (dynein axonemal heavy chain 11; plus strand). Cytogenetic location: 7p15.3.
Variant type: single nucleotide variant.
Coding change: c.9664G>A on transcript NM_001277115.2 (MANE Select); coding-DNA position 9664, G replaced by A.
Protein change: p.Val3222Met; replaces valine 3222 with methionine.
Molecular consequence: missense variant.
Genome position (GRCh38, 1-based): chr7:21,786,690, G>A. VCF-style: chr7-21786690-G-A. GRCh37 (hg19) VCF-style: chr7-21826308-G-A.
Other names: c.9685G>A, p.Val3229Met (NM_003777.3); short protein forms V3222M, V3229M.
Identifiers: ClinVar variation 1767708 (VCV001767708.5), dbSNP rs535546772, ClinGen allele CA4182065.
Genomic context (GRCh38, chr7:21,786,690, plus strand): 5'-CTCAGTGAGCTGAAAGCCTTTCCCAACCCTCCCATCGCAGTTACCAATGTTACTGCAGCC[G>A]TGATGGTCCTTCTGGCTCCTCGGGGAAGAGTGCCCAAAGACCGAAGTTGGAAAGCAGCTA-3'
Protein context (NP_001264044.1, residues 3212-3232): PIAVTNVTAA[Val3222Met]MVLLAPRGRV

ClinVar aggregate classification (germline): Conflicting classifications of pathogenicity. Review status: criteria provided, conflicting classifications (1 of 4 stars). 2 submissions from 2 submitters: Uncertain significance (1); Likely benign (1). Last evaluated 2024-03-01.

Conditions:
Primary ciliary dyskinesia. Also called: Ciliary dyskinesia. Identifiers: Orphanet 244, MedGen C0008780, MONDO:0016575, HP:0012265.

Allele frequency attached by ClinVar (database versions not stated): ExAC 0.00001; 1000 Genomes Project 0.00020; 1000 Genomes Project 30x 0.00031.
gnomAD v4.1: 18 of 1,613,804 alleles (0.0011%); highest among the groups gnomAD compares: East Asian, 0.0089%; no homozygotes.

Submissions (2):

Labcorp Genetics (formerly Invitae), Labcorp
Classification: Likely benign for Primary ciliary dyskinesia. Last evaluated: 2024-03-01. Review status: criteria provided, single submitter. Criteria: Invitae Variant Classification Sherloc (09022015). Collection method: clinical testing. Allele origin: germline.

Ambry Genetics
Classification: Uncertain significance for Primary ciliary dyskinesia. Last evaluated: 2021-07-27. Review status: criteria provided, single submitter. Criteria: Ambry Variant Classification Scheme 2023. Collection method: clinical testing. Allele origin: germline.
Comment: The p.V3222M variant (also known as c.9664G>A), located in coding exon 59 of the DNAH11 gene, results from a G to A substitution at nucleotide position 9664. The valine at codon 3222 is replaced by methionine, an amino acid with highly similar properties. This amino acid position is conserved. In addition, this alteration is predicted to be deleterious by in silico analysis. Since supporting evidence is limited at this time, the clinical significance of this alteration remains unclear.